The following is an entry in ClinVar:

ClinVar aggregate classification (germline): Conflicting classifications of pathogenicity. Review status: criteria provided, conflicting classifications (1 of 4 stars). 5 submissions from 5 submitters: Pathogenic (1); Likely pathogenic (1); Uncertain significance (3). Last evaluated 2025-11-26.

Conditions:
Autosomal dominant nonsyndromic hearing loss 2A. Also called: Deafness, autosomal dominant 2A; DFNA2 Nonsyndromic Hearing Loss; Autosomal dominant nonsyndromic deafness 2A. Identifiers: Orphanet 90635, MedGen C2677637, MONDO:0010817, OMIM 600101.
KCNQ4-related disorder. Also called: KCNQ4-related condition.

gnomAD v4.1: 2 of 1,609,074 alleles (0.00012%); highest among the groups gnomAD compares: Non-Finnish European, 0.000085%; no homozygotes.

Submissions (5):

GeneDx
Classification: Likely pathogenic. Last evaluated: 2025-11-26. Review status: criteria provided, single submitter. Criteria: GeneDx Variant Classification Process June 2021. Collection method: clinical testing. Allele origin: germline. Affected: yes.
Comment: Not observed at significant frequency in large population cohorts (gnomAD); In silico analysis supports that this missense variant has a deleterious effect on protein structure/function; This variant is associated with the following publications: (PMID: 34599366, 32382995)

PreventionGenetics, part of Exact Sciences
Classification: Uncertain significance for KCNQ4-related condition. Last evaluated: 2025-03-27. Review status: criteria provided, single submitter. Criteria: ACMG Guidelines, 2015. Collection method: clinical testing. Allele origin: germline.
Comment: The KCNQ4 c.1012C>T variant is predicted to result in the amino acid substitution p.Arg338Trp. This variant was reported in an individual with Hearing loss (Walls et al. 2020. PubMed ID: 32382995). This variant has not been reported in a large population database (gnomAD), indicating this variant is rare. At this time, the clinical significance of this variant is uncertain due to the absence of conclusive functional and genetic evidence.

Bioscientia Institut fuer Medizinische Diagnostik GmbH, Sonic Healthcare
Classification: Uncertain significance for Autosomal dominant nonsyndromic hearing loss 2A. Last evaluated: 2025-03-24. Review status: criteria provided, single submitter. Criteria: ACMG Guidelines, 2015. Collection method: clinical testing. Allele origin: germline. Affected: yes.

CeGaT Center for Human Genetics Tuebingen
Classification: Uncertain significance. Last evaluated: 2023-01-01. Review status: criteria provided, single submitter. Criteria: CeGaT Center For Human Genetics Tuebingen Variant Classification Criteria Version 2. Collection method: clinical testing. Allele origin: germline. Affected: yes. Observed: 2 variant alleles.

Labcorp Genetics (formerly Invitae), Labcorp
Classification: Pathogenic. Last evaluated: 2022-08-08. Review status: criteria provided, single submitter. Criteria: Invitae Variant Classification Sherloc (09022015). Collection method: clinical testing. Allele origin: germline.
Comment: For these reasons, this variant has been classified as Pathogenic. Advanced modeling of protein sequence and biophysical properties (such as structural, functional, and spatial information, amino acid conservation, physicochemical variation, residue mobility, and thermodynamic stability) performed at Invitae indicates that this missense variant is expected to disrupt KCNQ4 protein function. ClinVar contains an entry for this variant (Variation ID: 1202991). This missense change has been observed in individual(s) with deafness (PMID: 32382995; Invitae). In at least one individual the variant was observed to be de novo. This variant is not present in population databases (gnomAD no frequency). This sequence change replaces arginine, which is basic and polar, with tryptophan, which is neutral and slightly polar, at codon 338 of the KCNQ4 protein (p.Arg338Trp).

Literature cited by the submitters: PubMed 32382995 (cited by Labcorp Genetics (formerly Invitae), Labcorp).

NM_004700.4(KCNQ4):c.1012C>T (p.Arg338Trp)

Gene: KCNQ4 (potassium voltage-gated channel subfamily Q member 4; plus strand). Cytogenetic location: 1p34.2.
Variant type: single nucleotide variant.
Coding change: c.1012C>T on transcript NM_004700.4 (MANE Select); coding-DNA position 1012, C replaced by T.
Protein change: p.Arg338Trp; replaces arginine 338 with tryptophan.
Molecular consequence: missense variant.
Genome position (GRCh38, 1-based): chr1:40,820,231, C>T. VCF-style: chr1-40820231-C-T. GRCh37 (hg19) VCF-style: chr1-41285903-C-T.
Other names: c.1012C>T, p.Arg338Trp (NM_172163.3); short protein forms R338W.
Identifiers: ClinVar variation 1202991 (VCV001202991.42), dbSNP rs2148320413, ClinGen allele CA339896442.
Genomic context (GRCh38, chr1:40,820,231, plus strand): 5'-CTAGGCTCCGGCTTTGCCCTGAAGGTCCAGGAGCAGCACCGGCAGAAGCACTTCGAGAAG[C>T]GGAGGATGCCGGCAGCCAACCTCATCCAGGTACAAGATGCCCGGGAAGAAGCCCTAGGAG-3'
Protein context (NP_004691.2, residues 328-348): EQHRQKHFEK[Arg338Trp]RMPAANLIQA